The following is an entry in ClinVar:

ClinVar aggregate classification (germline): Uncertain significance (1 of 4 stars; one submission).

Submission:

Ambry Genetics
Classification: Uncertain significance. Last evaluated: 2026-04-30. Review status: criteria provided, single submitter. Criteria: Ambry Variant Classification Scheme 2023. Collection method: clinical testing. Allele origin: germline.
Comment: The p.S1083N variant (also known as c.3248G>A), located in coding exon 12 of the CDK12 gene, results from a G to A substitution at nucleotide position 3248. The serine at codon 1083 is replaced by asparagine, an amino acid with highly similar properties. This amino acid position is conserved. In addition, this alteration is predicted to be tolerated by in silico analysis. Based on the available evidence, the clinical significance of this variant remains unclear.

NM_016507.4(CDK12):c.3248G>A (p.Ser1083Asn)

Gene: CDK12 (cyclin dependent kinase 12; plus strand). Cytogenetic location: 17q12.
Variant type: single nucleotide variant.
Coding change: c.3248G>A on transcript NM_016507.4 (MANE Select); coding-DNA position 3248, G replaced by A.
Protein change: p.Ser1083Asn; replaces serine 1083 with asparagine.
Molecular consequence: missense variant.
Genome position (GRCh38, 1-based): chr17:39,524,826, G>A. VCF-style: chr17-39524826-G-A. GRCh37 (hg19) VCF-style: chr17-37681079-G-A.
Other names: c.3248G>A, p.Ser1083Asn (NM_015083.4); short protein forms S1083N.
Identifiers: ClinVar variation 4868517 (VCV004868517.1).